The following is an entry in ClinVar:

ClinVar aggregate classification (germline): Uncertain significance (1 of 4 stars; one submission).

Conditions:
Hereditary cancer-predisposing syndrome. Also called: Hereditary Cancer Syndrome; Neoplastic Syndromes, Hereditary; Tumor predisposition; Hereditary neoplastic syndrome. Identifiers: Orphanet 140162, MedGen C0027672, MeSH D009386, MONDO:0015356.

Submission:

Ambry Genetics
Classification: Uncertain significance for Hereditary cancer-predisposing syndrome. Last evaluated: 2025-11-06. Review status: criteria provided, single submitter. Criteria: Ambry Variant Classification Scheme 2023. Collection method: clinical testing. Allele origin: germline.
Comment: The c.9146dupT variant, located in coding exon 62 of the ATM gene, results from a duplication of T at nucleotide position 9146, causing a translational frameshift with a predicted alternate stop codon (p.G3051Rfs*12). This alteration occurs at the 3' terminus of the gene, is not expected to trigger nonsense-mediated mRNAdecay and results in the elongation of the protein by 5 amino acids. This frameshift impacts the last 6amino acids of the native protein. The exact functional effect of the altered amino acids is unknown. Based on the available evidence, the clinical significance of this variant remains unclear.

NM_000051.4(ATM):c.9146dup (p.Gly3051fs)

Genes: ATM (ATM serine/threonine kinase; plus strand), C11orf65 (chromosome 11 open reading frame 65; minus strand). Cytogenetic location: 11q22.3.
Variant type: Duplication.
Coding change: c.9146dup on transcript NM_000051.4 (MANE Select); coding-DNA position 9146, one base duplicated (T; older notation c.9146dupT).
Protein change: p.Gly3051fs; shifts the reading frame from glycine 3051.
Molecular consequence: frameshift variant. On other transcripts: intron variant (2).
Genome position (GRCh38, 1-based): chr11:108,365,483, T duplicated; the last of 4 consecutive T bases (chr11:108,365,480-108,365,483); duplicating any one gives the same sequence. VCF-style (leftmost placement, unchanged base first): chr11-108365479-C-CT. GRCh37 (hg19) VCF-style: chr11-108236206-C-CT.
Other names: c.9146dupT (NM_000051.3); c.9146dup, p.Gly3051fs (NM_001351834.2); c.640+20440dup (NM_001330368.2); c.694+20440dup (NM_001351110.2); short protein forms G3051fs.
Identifiers: ClinVar variation 4618195 (VCV004618195.1).